The following is an entry in ClinVar:

ClinVar aggregate classification (germline): Uncertain significance (1 of 4 stars; one submission).

Conditions:
Fanconi anemia (FA). Also called: Fanconi's anemia. Identifiers: Orphanet 84, MedGen C0015625, MeSH D005199, MONDO:0019391.

Submission:

Labcorp Genetics (formerly Invitae), Labcorp
Classification: Uncertain significance for Fanconi anemia. Last evaluated: 2024-05-29. Review status: criteria provided, single submitter. Criteria: Invitae Variant Classification Sherloc (09022015). Collection method: clinical testing. Allele origin: germline.
Comment: This sequence change replaces isoleucine, which is neutral and non-polar, with methionine, which is neutral and non-polar, at codon 136 of the FANCD2 protein (p.Ile136Met). This variant is present in population databases (no rsID available, gnomAD 0.01%). This variant has not been reported in the literature in individuals affected with FANCD2-related conditions. Advanced modeling of protein sequence and biophysical properties (such as structural, functional, and spatial information, amino acid conservation, physicochemical variation, residue mobility, and thermodynamic stability) performed at Invitae indicates that this missense variant is not expected to disrupt FANCD2 protein function with a negative predictive value of 80%. In summary, the available evidence is currently insufficient to determine the role of this variant in disease. Therefore, it has been classified as a Variant of Uncertain Significance.

NM_001018115.3(FANCD2):c.408C>G (p.Ile136Met)

Genes: FANCD2 (FA complementation group D2; plus strand), LOC107303338 (3p25 FANCD2 Alu-mediated recombination region; plus strand). Cytogenetic location: 3p25.3.
Variant type: single nucleotide variant.
Coding change: c.408C>G on transcript NM_001018115.3 (MANE Select); coding-DNA position 408, C replaced by G.
Protein change: p.Ile136Met; replaces isoleucine 136 with methionine.
Molecular consequence: missense variant.
Genome position (GRCh38, 1-based): chr3:10,035,203, C>G. VCF-style: chr3-10035203-C-G. GRCh37 (hg19) VCF-style: chr3-10076887-C-G.
Other names: c.408C>G, p.Ile136Met (NM_001319984.2, NM_001374253.1, NM_001374254.1 and 2 more transcripts); short protein forms I136M.
Identifiers: ClinVar variation 3664814 (VCV003664814.2).
Genomic context (GRCh38, chr3:10,035,203, plus strand): 5'-GTGGAAAACAGATTTCTTTTTTTTTTACAGTATGGGTGCATCTTATTCTAAGAGTCTCAT[C>G]AAACTGCTTCTGGGGATTGACATACTGCAGGTAAGACTGTCACTTTTTCTGTGAACATTT-3'
Protein context (NP_001018125.1, residues 126-146): SMGASYSKSL[Ile136Met]KLLLGIDILQ